The following is an entry in ClinVar:

NM_006947.4(SRP72):c.774del (p.Asp259fs)

Gene: SRP72 (signal recognition particle 72; plus strand). Cytogenetic location: 4q12.
Variant type: Deletion.
Coding change: c.774del on transcript NM_006947.4 (MANE Select); coding-DNA position 774, one base deleted (A; older notation c.774delA).
Protein change: p.Asp259fs; shifts the reading frame from aspartic acid 259.
Molecular consequence: frameshift variant. On other transcripts: non-coding transcript variant (1), intron variant (1).
Genome position (GRCh38, 1-based): chr4:56,478,598, A deleted. VCF-style (leftmost placement, unchanged base first): chr4-56478597-CA-C. GRCh37 (hg19) VCF-style: chr4-57344763-CA-C.
Other names: c.642+1896del (NM_001267722.2); short protein forms D259fs.
Identifiers: ClinVar variation 2834587 (VCV002834587.3), dbSNP rs2545755179, ClinGen allele CA2739270082.

ClinVar aggregate classification (germline): Uncertain significance (1 of 4 stars; one submission).

Submission:

Labcorp Genetics (formerly Invitae), Labcorp
Classification: Uncertain significance. Last evaluated: 2024-11-05. Review status: criteria provided, single submitter. Criteria: Invitae Variant Classification Sherloc (09022015). Collection method: clinical testing. Allele origin: germline.
Comment: This sequence change creates a premature translational stop signal (p.Asp259Metfs*5) in the SRP72 gene. It is expected to result in an absent or disrupted protein product. However, the current clinical and genetic evidence is not sufficient to establish whether loss-of-function variants in SRP72 cause disease. This variant is not present in population databases (gnomAD no frequency). This variant has not been reported in the literature in individuals affected with SRP72-related conditions. ClinVar contains an entry for this variant (Variation ID: 2834587). In summary, the available evidence is currently insufficient to determine the role of this variant in disease. Therefore, it has been classified as a Variant of Uncertain Significance.